The following is an entry in ClinVar:

NM_014140.4(SMARCAL1):c.1450G>A (p.Val484Met)

Gene: SMARCAL1 (SNF2 related chromatin remodeling annealing helicase 1; plus strand). Cytogenetic location: 2q35.
Variant type: single nucleotide variant.
Coding change: c.1450G>A on transcript NM_014140.4 (MANE Select); coding-DNA position 1450, G replaced by A.
Protein change: p.Val484Met; replaces valine 484 with methionine.
Molecular consequence: missense variant.
Genome position (GRCh38, 1-based): chr2:216,432,833, G>A. VCF-style: chr2-216432833-G-A. GRCh37 (hg19) VCF-style: chr2-217297556-G-A.
Other names: c.1450G>A, p.Val484Met (NM_001127207.2); short protein forms V484M.
Identifiers: ClinVar variation 2094107 (VCV002094107.5), dbSNP rs2468996882, ClinGen allele CA350500205.

ClinVar aggregate classification (germline): Uncertain significance. Review status: criteria provided, multiple submitters, no conflicts (2 of 4 stars). 2 submissions from 2 submitters: Uncertain significance (2). Last evaluated 2025-09-26.

Conditions:
Inborn genetic diseases. Identifiers: MedGen C0950123, MeSH D030342.
Schimke immuno-osseous dysplasia (SIOD). Also called: Schimke Immunoosseous Dysplasia. Identifiers: Orphanet 1830, MedGen C0877024, MONDO:0009458, OMIM 242900.

Submissions (2):

Ambry Genetics
Classification: Uncertain significance for Inborn genetic diseases. Last evaluated: 2025-09-26. Review status: criteria provided, single submitter. Criteria: Ambry Variant Classification Scheme 2023. Collection method: clinical testing. Allele origin: germline.

Labcorp Genetics (formerly Invitae), Labcorp
Classification: Uncertain significance for Schimke immuno-osseous dysplasia. Last evaluated: 2022-07-15. Review status: criteria provided, single submitter. Criteria: Invitae Variant Classification Sherloc (09022015). Collection method: clinical testing. Allele origin: germline.
Comment: In summary, the available evidence is currently insufficient to determine the role of this variant in disease. Therefore, it has been classified as a Variant of Uncertain Significance. Algorithms developed to predict the effect of missense changes on protein structure and function are either unavailable or do not agree on the potential impact of this missense change (SIFT: "Deleterious"; PolyPhen-2: "Probably Damaging"; Align-GVGD: "Class C0"). This variant has not been reported in the literature in individuals affected with SMARCAL1-related conditions. This variant is not present in population databases (gnomAD no frequency). This sequence change replaces valine, which is neutral and non-polar, with methionine, which is neutral and non-polar, at codon 484 of the SMARCAL1 protein (p.Val484Met).